The following is an entry in ClinVar:

NM_000091.5(COL4A3):c.1477G>A (p.Gly493Arg)

Genes: COL4A3 (collagen type IV alpha 3 chain; plus strand), MFF-DT (MFF divergent transcript; minus strand). Cytogenetic location: 2q36.3.
Variant type: single nucleotide variant.
Coding change: c.1477G>A on transcript NM_000091.5 (MANE Select); coding-DNA position 1477, G replaced by A.
Protein change: p.Gly493Arg; replaces glycine 493 with arginine.
Molecular consequence: missense variant.
Genome position (GRCh38, 1-based): chr2:227,267,061, G>A. VCF-style: chr2-227267061-G-A. GRCh37 (hg19) VCF-style: chr2-228131777-G-A.
Other names: short protein forms G493R.
Identifiers: ClinVar variation 3586022 (VCV003586022.4).

ClinVar aggregate classification (germline): Conflicting classifications of pathogenicity. Review status: criteria provided, conflicting classifications (1 of 4 stars). 4 submissions from 4 submitters: Likely pathogenic (2); Uncertain significance (2). Last evaluated 2026-04-07.

Conditions:
Hematuria, benign familial, 2 (BFH2). Identifiers: MedGen C5830421, MONDO:0958186, OMIM 620320.
Alport syndrome 3b, autosomal recessive. Identifiers: MedGen C5882699, MONDO:0957811, OMIM 620536.
Autosomal dominant Alport syndrome (ATS3A). Also called: ALPORT SYNDROME 3A, AUTOSOMAL DOMINANT; Alport syndrome dominant type; Renal failure and sensorineural hearing loss. Identifiers: Orphanet 63, Orphanet 88918, MedGen C5882663, MONDO:0007086, OMIM 104200.
Alport syndrome. Also called: Hemorrhagic familial nephritis; Hemorrhagic hereditary nephritis; Congenital hereditary hematuria. Identifiers: Orphanet 63, MedGen C1567741, MONDO:0018965.

gnomAD v4.1: 3 of 1,614,014 alleles (0.00019%); highest among the groups gnomAD compares: East Asian, 0.0022%; no homozygotes.

Submissions (4):

Myriad Genetics, Inc.
Classification: Uncertain significance for Alport syndrome. Last evaluated: 2026-04-07. Review status: criteria provided, single submitter. Criteria: Myriad Autosomal Dominant, Autosomal Recessive and X-Linked Classification Criteria (2023). Collection method: clinical testing. Allele origin: unknown.
Comment: NM_000091.4(COL4A3):c.1477G>A(G493R) is a missense variant classified as a variant of uncertain significance in the context of Alport syndrome, COL4A3-related. G493R has not been observed in cases with relevant disease. Relevant functional assessments of this variant are not available in the literature. G493R has not been observed in referenced population frequency databases. In summary, there is insufficient evidence to classify NM_000091.4(COL4A3):c.1477G>A(G493R) as pathogenic or benign. Please note: this variant was assessed in the context of healthy population screening.

Natera, Inc.
Classification: Likely pathogenic for Alport syndrome. Last evaluated: 2025-08-19. Review status: criteria provided, single submitter. Criteria: Natera Variant Classification Schema (03/2026). Collection method: clinical testing. Allele origin: germline.
Comment: The c.1477G>A variant in COL4A3 is a missense variant predicted to cause substitution of glycine to arginine at amino acid 493. This variant is rare in the general population with a frequency below the threshold expected for the associated phenotype(s). This variant is located in a functionally critical region of the protein. Computational prediction algorithms indicate this variant is likely to affect gene or protein function. Given the available evidence, this variant is classified as Likely Pathogenic.

Fulgent Genetics
Classification: Likely pathogenic for Autosomal dominant Alport syndrome; Hematuria, benign familial, 2; Alport syndrome 3b, autosomal recessive. Last evaluated: 2024-01-29. Review status: criteria provided, single submitter. Criteria: ACMG Guidelines, 2015. Collection method: clinical testing. Allele origin: germline.

Blueprint Genetics
Classification: Uncertain significance. Last evaluated: 2022-09-15. Review status: criteria provided, single submitter. Criteria: ACMG Guidelines, 2015. Collection method: clinical testing. Allele origin: germline.